The following is an entry in ClinVar:

NM_001190737.2(NFIB):c.1279C>T (p.Pro427Ser)

Gene: NFIB (nuclear factor I B; minus strand). Cytogenetic location: 9p23.
Variant type: single nucleotide variant.
Coding change: c.1279C>T on transcript NM_001190737.2 (MANE Select); coding-DNA position 1279, C replaced by T.
Protein change: p.Pro427Ser; replaces proline 427 with serine.
Molecular consequence: missense variant. On other transcripts: intron variant (18).
Genome position (GRCh38, 1-based): chr9:14,116,313, G>A on the plus strand (C>T on the coding strand, the complement: NFIB is on the minus strand). VCF-style: chr9-14116313-G-A. GRCh37 (hg19) VCF-style: chr9-14116312-G-A.
Other names: c.523C>T, p.Pro175Ser (NM_001282787.2); c.1345C>T, p.Pro449Ser (NM_001369458.1, NM_001369459.1); c.1267C>T, p.Pro423Ser (NM_001369460.1, NM_001369463.1); c.1279C>T, p.Pro427Ser (NM_001369461.1); c.1252C>T, p.Pro418Ser (NM_001369465.1); c.1042C>T, p.Pro348Ser (NM_001369470.1); c.1245+4127C>T (NM_005596.3, NM_001369464.1); c.1311+4127C>T (NM_001369468.1, NM_001369462.1); and 11 more; short protein forms P175S, P348S, P418S, P423S, P427S, P449S.
Identifiers: ClinVar variation 3197517 (VCV003197517.1), dbSNP rs1358003647, ClinGen allele CA373091633.

ClinVar aggregate classification (germline): Uncertain significance (1 of 4 stars; one submission).

Conditions:
Inborn genetic diseases. Identifiers: MedGen C0950123, MeSH D030342.

Allele frequency attached by ClinVar (database versions not stated): TOPMed below 0.00001.
gnomAD v4.1: 4 of 1,533,894 alleles (0.00026%); highest among the groups gnomAD compares: African/African-American, 0.0028%; no homozygotes.

Submission:

Ambry Genetics
Classification: Uncertain significance for Inborn genetic diseases. Last evaluated: 2024-02-09. Review status: criteria provided, single submitter. Criteria: Ambry Variant Classification Scheme 2023. Collection method: clinical testing. Allele origin: germline.
Comment: The c.1279C>T (p.P427S) alteration is located in exon 9 (coding exon 9) of the NFIB gene. This alteration results from a C to T substitution at nucleotide position 1279, causing the proline (P) at amino acid position 427 to be replaced by a serine (S). Based on data from gnomAD, the T allele has an overall frequency of 0.002% (2/137286) total alleles studied. The highest observed frequency was 0.031% (2/6538) of African alleles. This amino acid position is highly conserved in available vertebrate species. The in silico prediction for this alteration is inconclusive. Based on insufficient or conflicting evidence, the clinical significance of this alteration remains unclear.